The following is an entry in ClinVar:

NM_003737.4(DCHS1):c.6139G>T (p.Ala2047Ser)

Gene: DCHS1 (dachsous cadherin-related 1; minus strand). Cytogenetic location: 11p15.4.
Variant type: single nucleotide variant.
Coding change: c.6139G>T on transcript NM_003737.4 (MANE Select); coding-DNA position 6139, G replaced by T.
Protein change: p.Ala2047Ser; replaces alanine 2047 with serine.
Molecular consequence: missense variant.
Genome position (GRCh38, 1-based): chr11:6,626,900, C>A on the plus strand (G>T on the coding strand, the complement: DCHS1 is on the minus strand). VCF-style: chr11-6626900-C-A. GRCh37 (hg19) VCF-style: chr11-6648131-C-A.
Other names: short protein forms A2047S.
Identifiers: ClinVar variation 3637864 (VCV003637864.2).
Genomic context (GRCh38, chr11:6,626,900, plus strand): 5'-GGGGTCCACGCTCAGCTTCCCCCTGCAGTCCAACAATGATCACACCAGTGGCAGAGCGAG[C>A]TGGACGGCCAAGATCAGTGGCCACAATGAAGAGGACACGATCTCGGGGGCCTAGAGCTAC-3'
Protein context (NP_003728.1, residues 2037-2057): FIVATDLGRP[Ala2047Ser]RSATGVIIVG

ClinVar aggregate classification (germline): Uncertain significance (1 of 4 stars; one submission).

Submission:

Labcorp Genetics (formerly Invitae), Labcorp
Classification: Uncertain significance. Last evaluated: 2025-01-31. Review status: criteria provided, single submitter. Criteria: Invitae Variant Classification Sherloc (09022015). Collection method: clinical testing. Allele origin: germline.
Comment: This sequence change replaces alanine, which is neutral and non-polar, with serine, which is neutral and polar, at codon 2047 of the DCHS1 protein (p.Ala2047Ser). This variant is not present in population databases (gnomAD no frequency). This variant has not been reported in the literature in individuals affected with DCHS1-related conditions. Invitae Evidence Modeling of protein sequence and biophysical properties (such as structural, functional, and spatial information, amino acid conservation, physicochemical variation, residue mobility, and thermodynamic stability) indicates that this missense variant is not expected to disrupt DCHS1 protein function with a negative predictive value of 95%. In summary, the available evidence is currently insufficient to determine the role of this variant in disease. Therefore, it has been classified as a Variant of Uncertain Significance.